The following is an entry in ClinVar:

NM_001182.5(ALDH7A1):c.1267A>G (p.Ile423Val)

Gene: ALDH7A1 (aldehyde dehydrogenase 7 family member A1; minus strand). Cytogenetic location: 5q23.2.
Variant type: single nucleotide variant.
Coding change: c.1267A>G on transcript NM_001182.5 (MANE Select); coding-DNA position 1267, A replaced by G.
Protein change: p.Ile423Val; replaces isoleucine 423 with valine.
Molecular consequence: missense variant.
Genome position (GRCh38, 1-based): chr5:126,552,071, T>C on the plus strand (A>G on the coding strand, the complement: ALDH7A1 is on the minus strand). VCF-style: chr5-126552071-T-C. GRCh37 (hg19) VCF-style: chr5-125887763-T-C.
Other names: p.I423V:ATT>GTT; c.1183A>G, p.Ile395Val (NM_001201377.2); c.1075A>G, p.Ile359Val (NM_001202404.2); short protein forms I423V, I359V, I395V.
Identifiers: ClinVar variation 204846 (VCV000204846.2), dbSNP rs760266177, ClinGen allele CA313199.
Genomic context (GRCh38, chr5:126,552,071, plus strand): 5'-GCATTTTTACCTTGAATTTAAAGACATAGAGAATCGGAGCAAAAGTCTCTGTGTGTGCAA[T>C]GGACGCATCGTGGCCAAGACCTGTCACAATTGTCGGTTCTACATAATTTCCAGGGCGATC-3'
Protein context (NP_001173.2, residues 413-433): IVTGLGHDAS[Ile423Val]AHTETFAPIL

ClinVar aggregate classification (germline): Uncertain significance (1 of 4 stars; one submission).

Allele frequency attached by ClinVar (database versions not stated): ExAC 0.00002; gnomAD exomes 0.00001; TOPMed 0.00001 and 0.00002; gnomAD 0.00002.
gnomAD v4.1: 9 of 1,613,988 alleles (0.00056%); highest among the groups gnomAD compares: Non-Finnish European, 0.00076%; no homozygotes.

Submission:

GeneDx
Classification: Uncertain significance. Last evaluated: 2014-04-02. Review status: criteria provided, single submitter. Criteria: GeneDx Variant Classification (06012015). Collection method: clinical testing. Allele origin: germline. Affected: yes.
Comment: p.Ile423Val (ATT>GTT): c.1267 A>G in exon 14 of the ALDH7A1 gene (NM_001182.4). The I423V variant has not been published as a mutation, nor has it been reported as a benign polymorphism to our knowledge. It was not observed in approximately 6,500 individuals of European and African American ancestry in the NHLBI Exome Sequencing Project, indicating it is not a common benign variant in these populations. This variant is a conservative amino acid substitution, which is not likely to impact secondary protein structure as these residues share similar properties. It occurs at a position that is conserved across species. In silico analysis is inconsistent in its predictions as to whether or not the variant is damaging to the protein structure/function. Missense mutations in nearby residues (T426P, E427Q/G/D) have been reported in association with pyridoxine-dependent epilepsy, supporting the functional importance of this region of the protein. Therefore, based on the currently available information, it is unclear whether this variant is a pathogenic mutation or a rare benign variant. The variant is found in EPILEPSY panel(s).